The following is an entry in ClinVar:

ClinVar aggregate classification (germline): Pathogenic (1 of 4 stars; one submission).

Submission:

Labcorp Genetics (formerly Invitae), Labcorp
Classification: Pathogenic. Last evaluated: 2024-04-17. Review status: criteria provided, single submitter. Criteria: Invitae Variant Classification Sherloc (09022015). Collection method: clinical testing. Allele origin: germline.
Comment: This sequence change creates a premature translational stop signal (p.Cys772Lysfs*12) in the PRPF8 gene. It is expected to result in an absent or disrupted protein product. Loss-of-function variants in PRPF8 are known to be pathogenic (PMID: 27208204, 31054281, 33946315). This variant is not present in population databases (gnomAD no frequency). This variant has not been reported in the literature in individuals affected with PRPF8-related conditions. ClinVar contains an entry for this variant (Variation ID: 2095424). For these reasons, this variant has been classified as Pathogenic.

Literature cited by the submitters: PubMed 27208204; PubMed 31054281; PubMed 33946315.

NM_006445.4(PRPF8):c.2313_2316del (p.Cys772fs)

Gene: PRPF8 (pre-mRNA processing factor 8; minus strand). Cytogenetic location: 17p13.3.
Variant type: Deletion.
Coding change: c.2313_2316del on transcript NM_006445.4 (MANE Select); coding-DNA positions 2313 to 2316, 4 bases deleted (TTGT; older notation c.2313_2316delTTGT).
Protein change: p.Cys772fs; shifts the reading frame from cysteine 772.
Molecular consequence: frameshift variant.
Genome position (GRCh38, 1-based): chr17:1,676,577-1,676,580, ACAA deleted on the plus strand (TTGT on the coding strand, the reverse complement: PRPF8 is on the minus strand); deleting any 4 consecutive bases within chr17:1,676,577-1,676,583 gives the same sequence; the c. name uses the placement nearest the transcript's 3' end. VCF-style (leftmost placement, unchanged base first): chr17-1676576-TACAA-T. GRCh37 (hg19) VCF-style: chr17-1579870-TACAA-T.
Other names: short protein forms C772fs.
Identifiers: ClinVar variation 2095424 (VCV002095424.4), dbSNP rs1912610496, ClinGen allele CA2242964035.